The following is an entry in ClinVar:

NM_001060.6(TBXA2R):c.953G>A (p.Arg318His)

Gene: TBXA2R (thromboxane A2 receptor; minus strand). Cytogenetic location: 19p13.3.
Variant type: single nucleotide variant.
Coding change: c.953G>A on transcript NM_001060.6 (MANE Select); coding-DNA position 953, G replaced by A.
Protein change: p.Arg318His; replaces arginine 318 with histidine.
Molecular consequence: missense variant.
Genome position (GRCh38, 1-based): chr19:3,595,767, C>T on the plus strand (G>A on the coding strand, the complement: TBXA2R is on the minus strand). VCF-style: chr19-3595767-C-T. GRCh37 (hg19) VCF-style: chr19-3595765-C-T.
Other names: c.953G>A, p.Arg318His (NM_201636.3); short protein forms R318H.
Identifiers: ClinVar variation 2413756 (VCV002413756.6), dbSNP rs1452513934, ClinGen allele CA403330356.

ClinVar aggregate classification (germline): Uncertain significance (1 of 4 stars; one submission).

Allele frequency attached by ClinVar (database versions not stated): gnomAD 0.00001; TOPMed 0.00001.

Submission:

Labcorp Genetics (formerly Invitae), Labcorp
Classification: Uncertain significance. Last evaluated: 2022-05-17. Review status: criteria provided, single submitter. Criteria: Invitae Variant Classification Sherloc (09022015). Collection method: clinical testing. Allele origin: germline.
Comment: Algorithms developed to predict the effect of missense changes on protein structure and function (SIFT, PolyPhen-2, Align-GVGD) all suggest that this variant is likely to be disruptive. In summary, the available evidence is currently insufficient to determine the role of this variant in disease. Therefore, it has been classified as a Variant of Uncertain Significance. This variant has not been reported in the literature in individuals affected with TBXA2R-related conditions. The frequency data for this variant in the population databases is considered unreliable, as metrics indicate poor data quality at this position in the gnomAD database. This sequence change replaces arginine, which is basic and polar, with histidine, which is basic and polar, at codon 318 of the TBXA2R protein (p.Arg318His).